The following is an entry in ClinVar:

NM_207361.6(FREM2):c.4561A>C (p.Thr1521Pro)

Gene: FREM2 (FRAS1 related extracellular matrix 2; plus strand). Cytogenetic location: 13q13.3.
Variant type: single nucleotide variant.
Coding change: c.4561A>C on transcript NM_207361.6 (MANE Select); coding-DNA position 4561, A replaced by C.
Protein change: p.Thr1521Pro; replaces threonine 1521 with proline.
Molecular consequence: missense variant.
Genome position (GRCh38, 1-based): chr13:38,691,905, A>C. VCF-style: chr13-38691905-A-C. GRCh37 (hg19) VCF-style: chr13-39266042-A-C.
Other names: short protein forms T1521P.
Identifiers: ClinVar variation 881063 (VCV000881063.8), dbSNP rs777697719, ClinGen allele CA6955023.

ClinVar aggregate classification (germline): Uncertain significance. Review status: criteria provided, multiple submitters, no conflicts (2 of 4 stars). 5 submissions from 5 submitters: Uncertain significance (5). Last evaluated 2022-04-25.

Conditions:
Fraser syndrome 2 (FRASRS2). Identifiers: MedGen C4540036, MONDO:0054738, OMIM 617666.
Isolated cryptophthalmia. Also called: Cryptophthalmos, unilateral or bilateral, isolated; ANKYLOBLEPHARON, SIMPLE. Identifiers: Orphanet 91396, MedGen C1852453, MONDO:0007410, OMIM 123570.
Inborn genetic diseases. Identifiers: MedGen C0950123, MeSH D030342.

Allele frequency attached by ClinVar (database versions not stated): gnomAD exomes 0.00001 and 0.00002; ExAC 0.00002; TOPMed 0.00003.

Submissions (5):

Ambry Genetics
Classification: Uncertain significance for Inborn genetic diseases. Last evaluated: 2022-04-25. Review status: criteria provided, single submitter. Criteria: Ambry Variant Classification Scheme 2023. Collection method: clinical testing. Allele origin: germline.

Labcorp Genetics (formerly Invitae), Labcorp
Classification: Uncertain significance. Last evaluated: 2022-02-10. Review status: criteria provided, single submitter. Criteria: Invitae Variant Classification Sherloc (09022015). Collection method: clinical testing. Allele origin: germline.
Comment: This sequence change replaces threonine, which is neutral and polar, with proline, which is neutral and non-polar, at codon 1521 of the FREM2 protein (p.Thr1521Pro). This variant is present in population databases (rs777697719, gnomAD 0.003%). This variant has not been reported in the literature in individuals affected with FREM2-related conditions. ClinVar contains an entry for this variant (Variation ID: 881063). Algorithms developed to predict the effect of missense changes on protein structure and function are either unavailable or do not agree on the potential impact of this missense change (SIFT: "Deleterious"; PolyPhen-2: "Probably Damaging"; Align-GVGD: "Class C0"). In summary, the available evidence is currently insufficient to determine the role of this variant in disease. Therefore, it has been classified as a Variant of Uncertain Significance.

Fulgent Genetics
Classification: Uncertain significance for Isolated cryptophthalmia; Fraser syndrome 2. Last evaluated: 2021-12-28. Review status: criteria provided, single submitter. Criteria: ACMG Guidelines, 2015. Collection method: clinical testing. Allele origin: unknown.

Illumina Laboratory Services, Illumina
Classification: Uncertain significance for Fraser syndrome 2. Last evaluated: 2018-01-13. Review status: criteria provided, single submitter. Criteria: ICSL Variant Classification Criteria 13 December 2019. Collection method: clinical testing. Allele origin: germline.

Breakthrough Genomics
Classification: Uncertain significance. Review status: criteria provided, single submitter. Criteria: ACMG Guidelines, 2015. Collection method: not provided. Allele origin: germline. Inheritance: Autosomal recessive inheritance. Affected: yes.